The following is an entry in ClinVar:

ClinVar aggregate classification (germline): Uncertain significance. Review status: criteria provided, multiple submitters, no conflicts (2 of 4 stars). 2 submissions from 2 submitters: Uncertain significance (2). Last evaluated 2026-03-12.

Conditions:
Cardiovascular phenotype. Identifiers: MedGen CN230736.
Hyperlipoproteinemia, type I. Also called: HYPERLIPOPROTEINEMIA, TYPE IA; LPL DEFICIENCY; Lipoprotein Lipase Deficiency; Hyperlipoproteinemia type 1; Hyperchylomicro-nemia familial; Familial chylomicronemia. Identifiers: Orphanet 309015, Orphanet 444490, MedGen C0023817, MONDO:0009387, OMIM 238600. Disease mechanism: loss of function.

Allele frequency attached by ClinVar (database versions not stated): ESP Exome Variant Server 0.00008; ExAC 0.00001; gnomAD exomes 0.00001; TOPMed 0.00003; gnomAD 0.00007.
gnomAD v4.1: 21 of 1,613,948 alleles (0.0013%); highest among the groups gnomAD compares: African/African-American, 0.021%; no homozygotes.

Submissions (2):

Ambry Genetics
Classification: Uncertain significance for Cardiovascular phenotype. Last evaluated: 2026-03-12. Review status: criteria provided, single submitter. Criteria: Ambry Variant Classification Scheme 2023. Collection method: clinical testing. Allele origin: germline.
Comment: The c.1196T>C (p.I399T) alteration is located in exon 8 (coding exon 8) of the LPL gene. This alteration results from a T to C substitution at nucleotide position 1196, causing the isoleucine (I) at amino acid position 399 to be replaced by a threonine (T). Based on data from gnomAD, the C allele has an overall frequency of 0.003% (7/282760) total alleles studied. The highest observed frequency was 0.028% (7/24972) of African alleles. Based on insufficient or conflicting evidence, the clinical significance of this alteration remains unclear.

Illumina Laboratory Services, Illumina
Classification: Uncertain significance for Hyperlipoproteinemia, type I. Last evaluated: 2018-01-13. Review status: criteria provided, single submitter. Criteria: ICSL Variant Classification Criteria 13 December 2019. Collection method: clinical testing. Allele origin: germline.

NM_000237.3(LPL):c.1196T>C (p.Ile399Thr)

Gene: LPL (lipoprotein lipase; plus strand). Cytogenetic location: 8p21.3.
Variant type: single nucleotide variant.
Coding change: c.1196T>C on transcript NM_000237.3 (MANE Select); coding-DNA position 1196, T replaced by C.
Protein change: p.Ile399Thr; replaces isoleucine 399 with threonine.
Molecular consequence: missense variant.
Genome position (GRCh38, 1-based): chr8:19,960,957, T>C. VCF-style: chr8-19960957-T-C. GRCh37 (hg19) VCF-style: chr8-19818468-T-C.
Other names: short protein forms I399T.
Identifiers: ClinVar variation 911648 (VCV000911648.7), dbSNP rs139282874, ClinGen allele CA4655670.